The following is an entry in ClinVar:

ClinVar aggregate classification (germline): Uncertain significance. Review status: criteria provided, multiple submitters, no conflicts (2 of 4 stars). 2 submissions from 2 submitters: Uncertain significance (2). Last evaluated 2025-08-01.

Conditions:
Inborn genetic diseases. Identifiers: MedGen C0950123, MeSH D030342.
Fanconi anemia (FA). Also called: Fanconi's anemia. Identifiers: Orphanet 84, MedGen C0015625, MeSH D005199, MONDO:0019391.

gnomAD v4.1: 6 of 1,608,150 alleles (0.00037%); highest among the groups gnomAD compares: Non-Finnish European, 0.00043%; no homozygotes.

Submissions (2):

Ambry Genetics
Classification: Uncertain significance for Inborn genetic diseases. Last evaluated: 2025-08-01. Review status: criteria provided, single submitter. Criteria: Ambry Variant Classification Scheme 2023. Collection method: clinical testing. Allele origin: germline.
Comment: The p.E360Q variant (also known as c.1078G>C), located in coding exon 6 of the FANCM gene, results from a G to C substitution at nucleotide position 1078. The glutamic acid at codon 360 is replaced by glutamine, an amino acid with highly similar properties. This amino acid position is conserved. In addition, this alteration is predicted to be tolerated by in silico analysis. Based on the available evidence, the clinical significance of this variant remains unclear.

Labcorp Genetics (formerly Invitae), Labcorp
Classification: Uncertain significance for Fanconi anemia. Last evaluated: 2025-05-27. Review status: criteria provided, single submitter. Criteria: Invitae Variant Classification Sherloc (09022015). Collection method: clinical testing. Allele origin: germline.
Comment: This sequence change replaces glutamic acid, which is acidic and polar, with glutamine, which is neutral and polar, at codon 360 of the FANCM protein (p.Glu360Gln). This variant is not present in population databases (gnomAD no frequency). This variant has not been reported in the literature in individuals affected with FANCM-related conditions. An algorithm developed to predict the effect of missense changes on protein structure and function (PolyPhen-2) suggests that this variant is likely to be tolerated. In summary, the available evidence is currently insufficient to determine the role of this variant in disease. Therefore, it has been classified as a Variant of Uncertain Significance.

NM_020937.4(FANCM):c.1078G>C (p.Glu360Gln)

Gene: FANCM (FA complementation group M; plus strand). Cytogenetic location: 14q21.2.
Variant type: single nucleotide variant.
Coding change: c.1078G>C on transcript NM_020937.4 (MANE Select); coding-DNA position 1078, G replaced by C.
Protein change: p.Glu360Gln; replaces glutamic acid 360 with glutamine.
Molecular consequence: missense variant.
Genome position (GRCh38, 1-based): chr14:45,153,947, G>C. VCF-style: chr14-45153947-G-C. GRCh37 (hg19) VCF-style: chr14-45623150-G-C.
Other names: c.1000G>C, p.Glu334Gln (NM_001308133.2); c.1078G>C, p.Glu360Gln (NM_001308134.2); short protein forms E360Q, E334Q.
Identifiers: ClinVar variation 4254631 (VCV004254631.2).
Genomic context (GRCh38, chr14:45,153,947, plus strand): 5'-TCTGGTTAAATTTGACATATGCTGTTTTTCTAGGGAATACAACAAGGCATAATCGAGGGA[G>C]AGTTTGCTATTTGTATTAGTTTATATCATGGTTATGAATTATTGCAGCAAATGGGAATGA-3'
Protein context (NP_065988.1, residues 350-370): VGIQQGIIEG[Glu360Gln]FAICISLYHG